The following is an entry in ClinVar:

ClinVar aggregate classification (germline): Pathogenic/Likely pathogenic. Review status: criteria provided, multiple submitters, no conflicts (2 of 4 stars). 2 submissions from 2 submitters: Pathogenic (1); Likely pathogenic (1). Last evaluated 2023-04-07.

Conditions:
Fucosidosis. Also called: ALPHA-L-FUCOSIDASE DEFICIENCY. Identifiers: Orphanet 349, MedGen C0016788, MONDO:0009254, OMIM 230000.

Submissions (2):

Labcorp Genetics (formerly Invitae), Labcorp
Classification: Pathogenic for Fucosidosis. Last evaluated: 2023-04-07. Review status: criteria provided, single submitter. Criteria: Invitae Variant Classification Sherloc (09022015). Collection method: clinical testing. Allele origin: germline.
Comment: For these reasons, this variant has been classified as Pathogenic. This variant has not been reported in the literature in individuals affected with FUCA1-related conditions. This sequence change creates a premature translational stop signal (p.Glu318*) in the FUCA1 gene. It is expected to result in an absent or disrupted protein product. Loss-of-function variants in FUCA1 are known to be pathogenic (PMID: 10094192). This variant is not present in population databases (gnomAD no frequency). ClinVar contains an entry for this variant (Variation ID: 981066).

Women's Health and Genetics/Laboratory Corporation of America, LabCorp
Classification: Likely pathogenic for Fucosidosis. Last evaluated: 2020-09-16. Review status: criteria provided, single submitter. Criteria: LabCorp Variant Classification Summary - May 2015. Collection method: clinical testing. Allele origin: germline.
Comment: Variant summary: FUCA1 c.952G>T (p.Glu318X) results in a premature termination codon, predicted to cause a truncation of the encoded protein or absence of the protein due to nonsense mediated decay, which are commonly known mechanisms for disease. The variant was absent in 251458 control chromosomes (gnomAD). To our knowledge, no occurrence of c.952G>T in individuals affected with Fucosidosis and no experimental evidence demonstrating its impact on protein function have been reported. No clinical diagnostic laboratories have submitted clinical-significance assessments for this variant to ClinVar after 2014. Based on the evidence outlined above, the variant was classified as likely pathogenic.

Literature cited by the submitters: PubMed 10094192 (cited by Labcorp Genetics (formerly Invitae), Labcorp).

NM_000147.5(FUCA1):c.952G>T (p.Glu318Ter)

Gene: FUCA1 (alpha-L-fucosidase 1; minus strand). Cytogenetic location: 1p36.11.
Variant type: single nucleotide variant.
Coding change: c.952G>T on transcript NM_000147.5 (MANE Select); coding-DNA position 952, G replaced by T.
Protein change: p.Glu318Ter; replaces glutamic acid 318 with a stop codon.
Molecular consequence: nonsense.
Genome position (GRCh38, 1-based): chr1:23,854,377, C>A on the plus strand (G>T on the coding strand, the complement: FUCA1 is on the minus strand). VCF-style: chr1-23854377-C-A. GRCh37 (hg19) VCF-style: chr1-24180867-C-A.
Other names: short protein forms E318*.
Identifiers: ClinVar variation 981066 (VCV000981066.6), dbSNP rs201499886, ClinGen allele CA339038306.
Genomic context (GRCh38, chr1:23,854,377, plus strand): 5'-AAAAAAAAAAAAACAAAAACAAAAAACTCAAAGGTGCTCTTACCGAAATGATTTCAGATT[C>A]TTCTGTAACATCAGACAATGCCATGTCACGACGATAGCCCCAGGAAAACTTGTCAATGCT-3'